The following is an entry in ClinVar:

NM_005612.5(REST):c.2074G>A (p.Glu692Lys)

Gene: REST (RE1 silencing transcription factor; plus strand). Cytogenetic location: 4q12.
Variant type: single nucleotide variant.
Coding change: c.2074G>A on transcript NM_005612.5 (MANE Select); coding-DNA position 2074, G replaced by A.
Protein change: p.Glu692Lys; replaces glutamic acid 692 with lysine.
Molecular consequence: missense variant.
Genome position (GRCh38, 1-based): chr4:56,930,932, G>A. VCF-style: chr4-56930932-G-A. GRCh37 (hg19) VCF-style: chr4-57797098-G-A.
Other names: c.2074G>A, p.Glu692Lys (NM_001193508.2, NM_001363453.3); short protein forms E692K.
Identifiers: ClinVar variation 1421614 (VCV001421614.6), dbSNP rs899168099, ClinGen allele CA357008020.
Genomic context (GRCh38, chr4:56,930,932, plus strand): 5'-CCTGCTCAGATGGTGGGTGCCCAAATTGTACTTGCTCACATGGAGCTGCCTCCTCCCATG[G>A]AGACTGCTCAGACGGAGGTTGCCCAAATGGGGCCTGCTCCCATGGAACCTGCTCAGATGG-3'
Protein context (NP_005603.3, residues 682-702): LAHMELPPPM[Glu692Lys]TAQTEVAQMG

ClinVar aggregate classification (germline): Uncertain significance (1 of 4 stars; one submission).

Allele frequency attached by ClinVar (database versions not stated): gnomAD exomes below 0.00001; gnomAD 0.00001; TOPMed 0.00002.
gnomAD v4.1: 2 of 1,613,768 alleles (0.00012%); highest among the groups gnomAD compares: Non-Finnish European, 0.00017%; no homozygotes.

Submission:

Labcorp Genetics (formerly Invitae), Labcorp
Classification: Uncertain significance. Last evaluated: 2023-12-17. Review status: criteria provided, single submitter. Criteria: Invitae Variant Classification Sherloc (09022015). Collection method: clinical testing. Allele origin: germline.
Comment: This sequence change replaces glutamic acid, which is acidic and polar, with lysine, which is basic and polar, at codon 692 of the REST protein (p.Glu692Lys). This variant is not present in population databases (gnomAD no frequency). This variant has not been reported in the literature in individuals affected with REST-related conditions. ClinVar contains an entry for this variant (Variation ID: 1421614). Algorithms developed to predict the effect of missense changes on protein structure and function output the following: SIFT: "Not Available"; PolyPhen-2: "Benign"; Align-GVGD: "Not Available". The lysine amino acid residue is found in multiple mammalian species, which suggests that this missense change does not adversely affect protein function. In summary, the available evidence is currently insufficient to determine the role of this variant in disease. Therefore, it has been classified as a Variant of Uncertain Significance.